The following is an entry in ClinVar:

NM_018699.4(PRDM5):c.865+10C>T

Gene: PRDM5 (PR/SET domain 5; minus strand). Cytogenetic location: 4q27.
Variant type: single nucleotide variant.
Coding change: c.865+10C>T on transcript NM_018699.4 (MANE Select); 10 bases into the intron after coding-DNA position 865, C replaced by T.
Molecular consequence: intron variant.
Genome position (GRCh38, 1-based): chr4:120,816,443, G>A on the plus strand (C>T on the coding strand, the complement: PRDM5 is on the minus strand). VCF-style: chr4-120816443-G-A. GRCh37 (hg19) VCF-style: chr4-121737598-G-A.
Other names: c.865+10C>T (NM_018699.3, NM_001379104.1); c.772+10C>T (NM_001300824.2, NM_001379106.1, NM_001300823.2).
Identifiers: ClinVar variation 1618916 (VCV001618916.11), dbSNP rs773648126, ClinGen allele CA3061271.

ClinVar aggregate classification (germline): Likely benign. Review status: criteria provided, multiple submitters, no conflicts (2 of 4 stars). 3 submissions from 3 submitters: Likely benign (2). 1 of the submissions does not count toward it. Last evaluated 2025-09-29.

Conditions:
PRDM5-related disorder. Also called: PRDM5-related condition.

Allele frequency attached by ClinVar (database versions not stated): ExAC 0.00002; gnomAD exomes 0.00002 and 0.00009; gnomAD 0.00003 and 0.00004; TOPMed 0.00006.
gnomAD v4.1: 136 of 1,613,998 alleles (0.0084%); highest among the groups gnomAD compares: Non-Finnish European, 0.011%; no homozygotes.

Submissions (3):

Labcorp Genetics (formerly Invitae), Labcorp
Classification: Likely benign. Last evaluated: 2025-09-29. Review status: criteria provided, single submitter. Criteria: Invitae Variant Classification Sherloc (09022015). Collection method: clinical testing. Allele origin: germline.

Breakthrough Genomics
Classification: Likely benign. Review status: criteria provided, single submitter. Criteria: ACMG Guidelines, 2015. Collection method: not provided. Allele origin: germline. Inheritance: Autosomal recessive inheritance. Affected: yes.

PreventionGenetics, part of Exact Sciences
Classification: Likely benign for PRDM5-related condition. Last evaluated: 2024-04-17. Review status: no assertion criteria provided. Collection method: clinical testing. Allele origin: germline. Not counted in ClinVar's aggregate classification.
Comment: This variant is classified as likely benign based on ACMG/AMP sequence variant interpretation guidelines (Richards et al. 2015 PMID: 25741868, with internal and published modifications).